The following is an entry in ClinVar:

NM_000083.3(CLCN1):c.1190T>C (p.Val397Ala)

Gene: CLCN1 (chloride voltage-gated channel 1; plus strand). Cytogenetic location: 7q34.
Variant type: single nucleotide variant.
Coding change: c.1190T>C on transcript NM_000083.3 (MANE Select); coding-DNA position 1190, T replaced by C.
Protein change: p.Val397Ala; replaces valine 397 with alanine.
Molecular consequence: missense variant. On other transcripts: non-coding transcript variant (1).
Genome position (GRCh38, 1-based): chr7:143,332,442, T>C. VCF-style: chr7-143332442-T-C. GRCh37 (hg19) VCF-style: chr7-143029535-T-C.
Other names: short protein forms V397A.
Identifiers: ClinVar variation 1190052 (VCV001190052.7), dbSNP rs368958317, ClinGen allele CA4537278.

ClinVar aggregate classification (germline): Uncertain significance. Review status: criteria provided, multiple submitters, no conflicts (2 of 4 stars). 3 submissions from 3 submitters: Uncertain significance (3). Last evaluated 2025-08-11.

Conditions:
Inborn genetic diseases. Identifiers: MedGen C0950123, MeSH D030342.

Allele frequency attached by ClinVar (database versions not stated): ExAC 0.00002; ESP Exome Variant Server 0.00015.
gnomAD v4.1: 20 of 1,614,052 alleles (0.0012%); highest among the groups gnomAD compares: Non-Finnish European, 0.0016%; no homozygotes.

Submissions (3):

Ambry Genetics
Classification: Uncertain significance for Inborn genetic diseases. Last evaluated: 2025-08-11. Review status: criteria provided, single submitter. Criteria: Ambry Variant Classification Scheme 2023. Collection method: clinical testing. Allele origin: germline.

GeneDx
Classification: Uncertain significance. Last evaluated: 2019-01-02. Review status: criteria provided, single submitter. Criteria: GeneDx Variant Classification Process June 2021. Collection method: clinical testing. Allele origin: germline. Affected: yes.
Comment: Has not been previously published as pathogenic or benign to our knowledge; Not observed at a significant frequency in large population cohorts (Lek et al., 2016); In silico analysis supports that this missense variant has a deleterious effect on protein structure/function

Genetic Services Laboratory, University of Chicago
Classification: Uncertain significance. Last evaluated: 2018-02-27. Review status: criteria provided, single submitter. Criteria: ACMG Guidelines, 2015. Collection method: clinical testing. Allele origin: germline. Affected: no.